The following is an entry in ClinVar:

ClinVar aggregate classification (germline): Uncertain significance (1 of 4 stars; one submission).

Conditions:
Developmental and epileptic encephalopathy, 36 (DEE36). Also called: Epileptic encephalopathy, early infantile, 36; ALG13-CDG; Congenital disorder of glycosylation, type Is. Identifiers: Orphanet 324422, MedGen C4317295, MONDO:0010472, OMIM 300884.

gnomAD v4.1: 6 of 1,210,615 alleles (0.0005%); highest among the groups gnomAD compares: Non-Finnish European, 0.00067%; no homozygotes.

Submission:

Labcorp Genetics (formerly Invitae), Labcorp
Classification: Uncertain significance for Developmental and epileptic encephalopathy, 36. Last evaluated: 2024-07-24. Review status: criteria provided, single submitter. Criteria: Invitae Variant Classification Sherloc (09022015). Collection method: clinical testing. Allele origin: germline.
Comment: This sequence change replaces valine, which is neutral and non-polar, with methionine, which is neutral and non-polar, at codon 1036 of the ALG13 protein (p.Val1036Met). This variant is present in population databases (rs749775859, gnomAD 0.001%). This variant has not been reported in the literature in individuals affected with ALG13-related conditions. An algorithm developed to predict the effect of missense changes on protein structure and function outputs the following: PolyPhen-2: "Probably Damaging". The methionine amino acid residue is found in multiple mammalian species, which suggests that this missense change does not adversely affect protein function. In summary, the available evidence is currently insufficient to determine the role of this variant in disease. Therefore, it has been classified as a Variant of Uncertain Significance.

NM_001099922.3(ALG13):c.3106G>A (p.Val1036Met)

Gene: ALG13 (ALG13 UDP-N-acetylglucosaminyltransferase subunit; plus strand). Cytogenetic location: Xq23.
Variant type: single nucleotide variant.
Coding change: c.3106G>A on transcript NM_001099922.3 (MANE Select); coding-DNA position 3106, G replaced by A.
Protein change: p.Val1036Met; replaces valine 1036 with methionine.
Molecular consequence: missense variant. On other transcripts: non-coding transcript variant (1).
Genome position (GRCh38, 1-based): chrX:111,757,720, G>A. VCF-style: chrX-111757720-G-A. GRCh37 (hg19) VCF-style: chrX-111000948-G-A.
Other names: c.2557G>A, p.Val853Met (NM_001257230.2, NM_001257234.2, NM_001257237.2); c.2872G>A, p.Val958Met (NM_001257231.2); c.2869G>A, p.Val957Met (NM_001324292.2); c.2383G>A, p.Val795Met (NM_001324293.1); short protein forms V795M, V853M, V1036M, V958M, V957M.
Identifiers: ClinVar variation 3704450 (VCV003704450.2).